The following is an entry in ClinVar:

NM_001134363.3(RBM20):c.335dup (p.Asn112fs)

Gene: RBM20 (RNA binding motif protein 20; plus strand). Cytogenetic location: 10q25.2.
Variant type: Duplication.
Coding change: c.335dup on transcript NM_001134363.3 (MANE Select); coding-DNA position 335, one base duplicated (A; older notation c.335dupA).
Protein change: p.Asn112fs; shifts the reading frame from asparagine 112.
Molecular consequence: frameshift variant.
Genome position (GRCh38, 1-based): chr10:110,780,944, A duplicated; the last of 2 consecutive A bases (chr10:110,780,943-110,780,944); duplicating either gives the same sequence. VCF-style (leftmost placement, unchanged base first): chr10-110780942-C-CA. GRCh37 (hg19) VCF-style: chr10-112540700-C-CA.
Other names: short protein forms N112fs.
Identifiers: ClinVar variation 3777544 (VCV003777544.1).

ClinVar aggregate classification (germline): Uncertain significance (1 of 4 stars; one submission).

Submission:

GeneDx
Classification: Uncertain significance. Last evaluated: 2024-10-11. Review status: criteria provided, single submitter. Criteria: GeneDx Variant Classification Process June 2021. Collection method: clinical testing. Allele origin: germline. Affected: yes.
Comment: Has not been previously published as pathogenic or benign to our knowledge; Not observed at significant frequency in large population cohorts (gnomAD); Frameshift variant predicted to result in protein truncation or nonsense mediated decay in a gene or region of a gene for which loss of function is not a well-established mechanism of disease